The following is an entry in ClinVar:

NM_001105206.3(LAMA4):c.5269C>T (p.Pro1757Ser)

Gene: LAMA4 (laminin subunit alpha 4; minus strand). Cytogenetic location: 6q21.
Variant type: single nucleotide variant.
Coding change: c.5269C>T on transcript NM_001105206.3 (MANE Select); coding-DNA position 5269, C replaced by T.
Protein change: p.Pro1757Ser; replaces proline 1757 with serine.
Molecular consequence: missense variant.
Genome position (GRCh38, 1-based): chr6:112,114,133, G>A on the plus strand (C>T on the coding strand, the complement: LAMA4 is on the minus strand). VCF-style: chr6-112114133-G-A. GRCh37 (hg19) VCF-style: chr6-112435336-G-A.
Other names: c.5248C>T (NM_002290.3); c.5248C>T, p.Pro1750Ser (NM_001105207.3, NM_002290.5); short protein forms P1757S, P1750S.
Identifiers: ClinVar variation 691712 (VCV000691712.10), dbSNP rs782001026, ClinGen allele CA3964757.
Genomic context (GRCh38, chr6:112,114,133, plus strand): 5'-TACCTGGAACACCTCCAACAAACACAGGCTCCCTGTGATCAATTGGTTTTGGATTCAGGG[G>A]TCCAACCACATGGTTCACTTCAGAGTCCACATCCAACTGAACCACATTAGAATCTCTAAT-3'
Protein context (NP_001098676.2, residues 1747-1767): VDSEVNHVVG[Pro1757Ser]LNPKPIDHRE

ClinVar aggregate classification (germline): Uncertain significance. Review status: criteria provided, multiple submitters, no conflicts (2 of 4 stars). 4 submissions from 4 submitters: Uncertain significance (4). Last evaluated 2025-12-29.

Conditions:
Cardiovascular phenotype. Identifiers: MedGen CN230736.
Dilated cardiomyopathy 1JJ (CMD1JJ). Identifiers: Orphanet 154, MedGen C3808935, MONDO:0014095, OMIM 615235.
Cardiomyopathy (CMYO). Also called: Cardiomyopathies. Identifiers: Orphanet 167848, MedGen C0878544, MONDO:0004994, HP:0001638. Inheritance: Various modes of inheritance.

Allele frequency attached by ClinVar (database versions not stated): ExAC 0.00001; TOPMed 0.00001.
gnomAD v4.1: 3 of 1,613,790 alleles (0.00019%); highest among the groups gnomAD compares: Non-Finnish European, 0.00025%; no homozygotes.

Submissions (4):

Labcorp Genetics (formerly Invitae), Labcorp
Classification: Uncertain significance for Dilated cardiomyopathy 1JJ. Last evaluated: 2025-12-29. Review status: criteria provided, single submitter. Criteria: Invitae Variant Classification Sherloc (09022015). Collection method: clinical testing. Allele origin: germline.
Comment: This sequence change replaces proline, which is neutral and non-polar, with serine, which is neutral and polar, at codon 1750 of the LAMA4 protein (p.Pro1750Ser). This variant is present in population databases (rs782001026, gnomAD 0.0009%). This variant has not been reported in the literature in individuals affected with LAMA4-related conditions. ClinVar contains an entry for this variant (Variation ID: 691712). Invitae Evidence Modeling of protein sequence and biophysical properties (such as structural, functional, and spatial information, amino acid conservation, physicochemical variation, residue mobility, and thermodynamic stability) indicates that this missense variant is not expected to disrupt LAMA4 protein function with a negative predictive value of 80%. In summary, the available evidence is currently insufficient to determine the role of this variant in disease. Therefore, it has been classified as a Variant of Uncertain Significance.

Ambry Genetics
Classification: Uncertain significance for Cardiovascular phenotype. Last evaluated: 2025-05-14. Review status: criteria provided, single submitter. Criteria: Ambry Variant Classification Scheme 2023. Collection method: clinical testing. Allele origin: germline.
Comment: The p.P1750S variant (also known as c.5248C>T), located in coding exon 37 of the LAMA4 gene, results from a C to T substitution at nucleotide position 5248. The proline at codon 1750 is replaced by serine, an amino acid with similar properties. This amino acid position is conserved. In addition, the in silico prediction for this alteration is inconclusive. Based on the available evidence, the clinical significance of this variant remains unclear.

Fulgent Genetics
Classification: Uncertain significance for Dilated cardiomyopathy 1JJ. Last evaluated: 2021-10-11. Review status: criteria provided, single submitter. Criteria: ACMG Guidelines, 2015. Collection method: clinical testing. Allele origin: unknown.

Center for Advanced Laboratory Medicine, UC San Diego Health, University of California San Diego
Classification: Uncertain significance for Cardiomyopathy. Last evaluated: 2019-01-10. Review status: criteria provided, single submitter. Criteria: ACMG Guidelines, 2015. Collection method: clinical testing. Allele origin: germline. Affected: yes. Observed: 1 variant allele.